The following is an entry in ClinVar:

NM_003000.3(SDHB):c.470del (p.Tyr156_Leu157insTer)

Gene: SDHB (succinate dehydrogenase complex iron sulfur subunit B; minus strand). Cytogenetic location: 1p36.13.
Variant type: Deletion.
Coding change: c.470del on transcript NM_003000.3 (MANE Select); coding-DNA position 470, one base deleted (T; older notation c.470delT).
Protein change: p.Tyr156_Leu157insTer.
Molecular consequence: nonsense.
Genome position (GRCh38, 1-based): chr1:17,027,819, A deleted on the plus strand (T on the coding strand, the reverse complement: SDHB is on the minus strand); the first of 3 consecutive A bases (chr1:17,027,819-17,027,821); deleting any one gives the same sequence. VCF-style (leftmost placement, unchanged base first): chr1-17027818-CA-C. GRCh37 (hg19) VCF-style: chr1-17354313-CA-C.
Identifiers: ClinVar variation 992238 (VCV000992238.11), dbSNP rs2077999823, ClinGen allele CA1139655469.

ClinVar aggregate classification (germline): Pathogenic. Review status: criteria provided, multiple submitters, no conflicts (2 of 4 stars). 3 submissions from 3 submitters: Pathogenic (3). Last evaluated 2025-12-22.

Conditions:
Hereditary cancer-predisposing syndrome. Also called: Neoplastic Syndromes, Hereditary; Hereditary Cancer Syndrome; Hereditary neoplastic syndrome; Tumor predisposition. Identifiers: Orphanet 140162, MedGen C0027672, MeSH D009386, MONDO:0015356.
Pheochromocytoma/paraganglioma syndrome 4. Also called: CAROTID BODY TUMORS AND MULTIPLE EXTRAADRENAL PHEOCHROMOCYTOMAS; SDHB-Related Hereditary Paraganglioma-Pheochromocytoma Syndrome; Paragangliomas 4; SDHB-Related Hereditary Paraganglioma-Pheochromocytoma Syndrome (Paragangliomas 4); PARAGANGLIOMA, FAMILIAL MALIGNANT; PARAGANGLIOMAS, HEREDITARY EXTRAADRENAL. Identifiers: Orphanet 29072, MedGen C1861848, MONDO:0007273, OMIM 115310.
Gastrointestinal stromal tumor. Also called: Gastrointestinal stromal tumor, somatic; Gastrointestinal stroma tumor. Identifiers: Orphanet 44890, MedGen C0238198, MeSH D046152, MONDO:0011719, OMIM 606764, HP:0100723.
Pheochromocytoma. Also called: MAX-Related Hereditary Paraganglioma-Pheochromocytoma Syndrome. Identifiers: Orphanet 29072, MedGen C0031511, MONDO:0008233, OMIM 171300, HP:0002666.
Hereditary pheochromocytoma and paraganglioma. Also called: Hereditary Paraganglioma-Pheochromocytoma Syndromes; Hereditary pheochromocytoma-paraganglioma; Hereditary paragangliomas and pheochromocytomas. Identifiers: Orphanet 29072, MedGen C4274332, MONDO:0017366.

Submissions (3):

Labcorp Genetics (formerly Invitae), Labcorp
Classification: Pathogenic for Gastrointestinal stromal tumor; Pheochromocytoma/paraganglioma syndrome 4; Pheochromocytoma. Last evaluated: 2025-12-22. Review status: criteria provided, single submitter. Criteria: Invitae Variant Classification Sherloc (09022015). Collection method: clinical testing. Allele origin: germline.
Comment: This sequence change creates a premature translational stop signal (p.Leu157*) in the SDHB gene. It is expected to result in an absent or disrupted protein product. Loss-of-function variants in SDHB are known to be pathogenic (PMID: 19454582, 19802898). This variant is not present in population databases (gnomAD no frequency). This premature translational stop signal has been observed in individual(s) with clinical features of SDHB-related conditions (PMID: 19261994, 23318864). ClinVar contains an entry for this variant (Variation ID: 992238). For these reasons, this variant has been classified as Pathogenic.

Ambry Genetics
Classification: Pathogenic for Hereditary cancer-predisposing syndrome. Last evaluated: 2022-01-18. Review status: criteria provided, single submitter. Criteria: Ambry Variant Classification Scheme 2023. Collection method: clinical testing. Allele origin: germline.
Comment: The c.470delT pathogenic mutation, located in coding exon 5 of the SDHB gene, results from a deletion of one nucleotide at nucleotide position 470, causing a translational frameshift with a predicted alternate stop codon (p.L157*). This alteration has been reported in multiple individuals diagnosed with paraganglioma-pheochromocytoma (PGL-PCC) syndrome (Saito T et al. Endocr J, 2009 Mar;56:451-8; Sato H et al. Endocrine, 2010 Aug;38:18-23; Sugisawa C et al. Intern Med, 2013 Jan;52:281-4; Kimura N et al. Endocr Relat Cancer, 2014 Jun;21:L13-6; Takeshima K et al. Intern Med, 2020 May;59:1167-1171; Kitagawa T et al. Endocr J, 2021 Jan;68:81-86; Yonamine M et al. Cancers (Basel), 2021 Aug;13:). This variant is considered to be rare based on population cohorts in the Genome Aggregation Database (gnomAD). In addition to the clinical data presented in the literature, this alteration is expected to result in loss of function by premature protein truncation or nonsense-mediated mRNA decay. As such, this alteration is interpreted as a disease-causing mutation.

Women's Health and Genetics/Laboratory Corporation of America, LabCorp
Classification: Pathogenic for Hereditary Paraganglioma-Pheochromocytoma Syndromes. Last evaluated: 2020-12-04. Review status: criteria provided, single submitter. Criteria: LabCorp Variant Classification Summary - May 2015. Collection method: clinical testing. Allele origin: germline.
Comment: Variant summary: SDHB c.470delT (p.Leu157X) results in a premature termination codon, predicted to cause a truncation of the encoded protein or absence of the protein due to nonsense mediated decay, which are commonly known mechanisms for disease. Truncations downstream of this position have been classified as pathogenic by our laboratory. The variant was absent in 251314 control chromosomes. c.470delT has been reported in the literature in multiple individuals affected with Hereditary Paraganglioma-Pheochromocytoma Syndrome.No clinical diagnostic laboratories have submitted clinical-significance assessments for this variant to ClinVar after 2014. Based on the evidence outlined above, the variant was classified as pathogenic.

Literature cited by the submitters: PubMed 19454582 (cited by Labcorp Genetics (formerly Invitae), Labcorp); PubMed 19802898 (cited by Labcorp Genetics (formerly Invitae), Labcorp); PubMed 19261994 (cited by 3 submitters); PubMed 23318864 (cited by 3 submitters); PubMed 20960097 (cited by Ambry Genetics); PubMed 24659481 (cited by Ambry Genetics and Women's Health and Genetics/Laboratory Corporation of America, LabCorp); PubMed 32023584 (cited by Ambry Genetics); PubMed 32863293 (cited by Ambry Genetics and Women's Health and Genetics/Laboratory Corporation of America, LabCorp); PubMed 34439168 (cited by Ambry Genetics).